The following is an entry in ClinVar:

NM_001267550.2(TTN):c.41244T>G (p.Val13748=)

Gene: TTN (titin; minus strand). Cytogenetic location: 2q31.2.
Variant type: single nucleotide variant.
Coding change: c.41244T>G on transcript NM_001267550.2 (MANE Select); coding-DNA position 41244, T replaced by G.
Protein change: p.Val13748=; no amino-acid change (valine 13748 retained).
Molecular consequence: synonymous variant.
Genome position (GRCh38, 1-based): chr2:178,636,483, A>C on the plus strand (T>G on the coding strand, the complement: TTN is on the minus strand). VCF-style: chr2-178636483-A-C. GRCh37 (hg19) VCF-style: chr2-179501210-A-C.
Other names: c.36321T>G, p.Val12107= (NM_001256850.1); c.14049T>G, p.Val4683= (NM_003319.4); c.33540T>G, p.Val11180= (NM_133378.4); c.14424T>G, p.Val4808= (NM_133432.3); c.14625T>G, p.Val4875= (NM_133437.4).
Identifiers: ClinVar variation 2651645 (VCV002651645.24), dbSNP rs2471630271, ClinGen allele CA430278184.

ClinVar aggregate classification (germline): Likely benign (1 of 4 stars; one submission).

Submission:

CeGaT Center for Human Genetics Tuebingen
Classification: Likely benign. Last evaluated: 2026-06-01. Review status: criteria provided, single submitter. Criteria: CeGaT Center For Human Genetics Tuebingen Variant Classification Criteria Version 2. Collection method: clinical testing. Allele origin: germline. Affected: yes. Observed: 6 variant alleles.
Comment: TTN: PM2:Supporting, BP4, BP7